The following is an entry in ClinVar:

ClinVar aggregate classification (germline): Benign/Likely benign. Review status: criteria provided, multiple submitters, no conflicts (2 of 4 stars). 5 submissions from 5 submitters: Benign (1); Likely benign (4). Last evaluated 2026-01-28.

Conditions:
Autosomal recessive distal renal tubular acidosis. Identifiers: Orphanet 402041, MedGen C1864498, MONDO:0018440.
Renal tubular acidosis, distal, 3, with or without sensorineural hearing loss (DRTA3). Identifiers: MedGen C5399980, MONDO:0011268, OMIM 602722.

Allele frequency attached by ClinVar (database versions not stated): gnomAD exomes 0.00031 and 0.00088; ExAC 0.00102; 1000 Genomes Project 30x 0.00250; gnomAD 0.00273 and 0.00297; 1000 Genomes Project 0.00280; TOPMed 0.00342; ESP Exome Variant Server 0.00377.
gnomAD v4.1: 895 of 1,613,792 alleles (0.055%); highest among the groups gnomAD compares: African/African-American, 0.85%; 3 homozygotes.

Submissions (5):

Labcorp Genetics (formerly Invitae), Labcorp
Classification: Benign. Last evaluated: 2026-01-28. Review status: criteria provided, single submitter. Criteria: Invitae Variant Classification Sherloc (09022015). Collection method: clinical testing. Allele origin: germline.

Blueprint Genetics
Classification: Likely benign. Last evaluated: 2024-11-26. Review status: criteria provided, single submitter. Criteria: ACMG Guidelines, 2015. Collection method: clinical testing. Allele origin: germline.

Fulgent Genetics
Classification: Likely benign for Renal tubular acidosis, distal, 3, with or without sensorineural hearing loss. Last evaluated: 2021-07-20. Review status: criteria provided, single submitter. Criteria: ACMG Guidelines, 2015. Collection method: clinical testing. Allele origin: unknown.

Illumina Laboratory Services, Illumina
Classification: Likely benign for Renal tubular acidosis, distal, 3, with or without sensorineural hearing loss. Last evaluated: 2018-01-12. Review status: criteria provided, single submitter. Criteria: ICSL Variant Classification Criteria 13 December 2019. Collection method: clinical testing. Allele origin: germline.
Comment: This variant was observed in the ICSL laboratory as part of a predisposition screen in an ostensibly healthy population. It had not been previously curated by ICSL or reported in the Human Gene Mutation Database (HGMD: prior to June 1st, 2018), and was therefore a candidate for classification through an automated scoring system. Utilizing variant allele frequency, disease prevalence and penetrance estimates, and inheritance mode, an automated score was calculated to assess if this variant is too frequent to cause the disease. Based on the score and internal cut-off values, a variant classified as likely benign is not then subjected to further curation. The score for this variant resulted in a classification of likely benign for this disease.

Breakthrough Genomics
Classification: Likely benign. Review status: criteria provided, single submitter. Criteria: ACMG Guidelines, 2015. Collection method: not provided. Allele origin: germline. Inheritance: Autosomal recessive inheritance. Affected: yes.

NM_020632.3(ATP6V0A4):c.2481A>G (p.Pro827=)

Gene: ATP6V0A4 (ATPase H+ transporting V0 subunit a4; minus strand). Cytogenetic location: 7q34.
Variant type: single nucleotide variant.
Coding change: c.2481A>G on transcript NM_020632.3 (MANE Select); coding-DNA position 2481, A replaced by G.
Protein change: p.Pro827=; no amino-acid change (proline 827 retained).
Molecular consequence: synonymous variant.
Genome position (GRCh38, 1-based): chr7:138,706,666, T>C on the plus strand (A>G on the coding strand, the complement: ATP6V0A4 is on the minus strand). VCF-style: chr7-138706666-T-C. GRCh37 (hg19) VCF-style: chr7-138391411-T-C.
Other names: c.2481A>G, p.Pro827= (NM_130840.3, NM_130841.3).
Identifiers: ClinVar variation 778365 (VCV000778365.14), dbSNP rs6956646, ClinGen allele CA4504404.